The following is an entry in ClinVar:

ClinVar aggregate classification (germline): Uncertain significance (1 of 4 stars; one submission).

Conditions:
Generalized epilepsy with febrile seizures plus, type 7 (GEFSP7). Also called: GEFS+, TYPE 7. Identifiers: Orphanet 36387, MedGen C2751778, MONDO:0013470, OMIM 613863.
Neuropathy, hereditary sensory and autonomic, type 2A (HSAN2A). Also called: ACROOSTEOLYSIS, GIACCAI TYPE; ACROOSTEOLYSIS, NEUROGENIC; HSAN IIA; WNK1-Related HSAN2 (HSAN2A); MORVAN DISEASE; NEUROPATHY, CONGENITAL SENSORY. Identifiers: Orphanet 970, MedGen C2752089, MONDO:0024309, OMIM 201300.

Allele frequency attached by ClinVar (database versions not stated): gnomAD exomes 0.00001.
gnomAD v4.1: 16 of 1,613,072 alleles (0.00099%); highest among the groups gnomAD compares: African/African-American, 0.0013%; no homozygotes.

Submission:

Labcorp Genetics (formerly Invitae), Labcorp
Classification: Uncertain significance for Neuropathy, hereditary sensory and autonomic, type 2A; Generalized epilepsy with febrile seizures plus, type 7. Last evaluated: 2022-12-15. Review status: criteria provided, single submitter. Criteria: Invitae Variant Classification Sherloc (09022015). Collection method: clinical testing. Allele origin: germline.
Comment: This sequence change replaces tyrosine, which is neutral and polar, with histidine, which is basic and polar, at codon 1958 of the SCN9A protein (p.Tyr1958His). This variant is present in population databases (no rsID available, gnomAD 0.007%). This variant has not been reported in the literature in individuals affected with SCN9A-related conditions. Advanced modeling of protein sequence and biophysical properties (such as structural, functional, and spatial information, amino acid conservation, physicochemical variation, residue mobility, and thermodynamic stability) has been performed at Invitae for this missense variant, however the output from this modeling did not meet the statistical confidence thresholds required to predict the impact of this variant on SCN9A protein function. In summary, the available evidence is currently insufficient to determine the role of this variant in disease. Therefore, it has been classified as a Variant of Uncertain Significance.

NM_001365536.1(SCN9A):c.5905T>C (p.Tyr1969His)

Genes: SCN9A (sodium voltage-gated channel alpha subunit 9; minus strand), SCN1A-AS1 (SCN1A and SCN9A antisense RNA 1; plus strand). Cytogenetic location: 2q24.3.
Variant type: single nucleotide variant.
Coding change: c.5905T>C on transcript NM_001365536.1 (MANE Select); coding-DNA position 5905, T replaced by C.
Protein change: p.Tyr1969His; replaces tyrosine 1969 with histidine.
Molecular consequence: missense variant.
Genome position (GRCh38, 1-based): chr2:166,198,734, A>G on the plus strand (T>C on the coding strand, the complement: SCN9A is on the minus strand). VCF-style: chr2-166198734-A-G. GRCh37 (hg19) VCF-style: chr2-167055244-A-G.
Other names: c.5872T>C, p.Tyr1958His (NM_002977.4); short protein forms Y1958H, Y1969H.
Identifiers: ClinVar variation 2924392 (VCV002924392.3), dbSNP rs1378635410, ClinGen allele CA349051131.
Genomic context (GRCh38, chr2:166,198,734, plus strand): 5'-ATTTTTTGCTTTCCTTGCTGTCTTTCCCTTTGTCTTCCTTTTCTGTTCTGTCTTGTTCAT[A>G]TTTCTCTTTGTCTGGCTTTGTTACACTATCATATGAAGGTGGAGAGGTGGTGGATGAAGT-3'
Protein context (NP_001352465.1, residues 1959-1979): DSVTKPDKEK[Tyr1969His]EQDRTEKEDK